The following is an entry in ClinVar:

NM_014795.4(ZEB2):c.469G>A (p.Asp157Asn)

Gene: ZEB2 (zinc finger E-box binding homeobox 2; minus strand). Cytogenetic location: 2q22.3.
Variant type: single nucleotide variant.
Coding change: c.469G>A on transcript NM_014795.4 (MANE Select); coding-DNA position 469, G replaced by A.
Protein change: p.Asp157Asn; replaces aspartic acid 157 with asparagine.
Molecular consequence: missense variant.
Genome position (GRCh38, 1-based): chr2:144,404,959, C>T on the plus strand (G>A on the coding strand, the complement: ZEB2 is on the minus strand). VCF-style: chr2-144404959-C-T. GRCh37 (hg19) VCF-style: chr2-145162526-C-T.
Other names: c.397G>A, p.Asp133Asn (NM_001171653.2); short protein forms D133N, D157N.
Identifiers: ClinVar variation 838010 (VCV000838010.11), dbSNP rs1703365159, ClinGen allele CA348715393.
Genomic context (GRCh38, chr2:144,404,959, plus strand): 5'-GGTAAATAATGGCTGTGTCACTGCGCTGAAGGTACTCCTCGATGCTGACTGCATGACCAT[C>T]GCGTTCCTCCAGTTTTCTTTTGGCAAAGTATTCCTCAAAATCTGATGTGCAATTTGCATT-3'
Protein context (NP_055610.1, residues 147-167): YFAKRKLEER[Asp157Asn]GHAVSIEEYL

ClinVar aggregate classification (germline): Uncertain significance. Review status: criteria provided, multiple submitters, no conflicts (2 of 4 stars). 3 submissions from 3 submitters: Uncertain significance (3). Last evaluated 2025-07-23.

Conditions:
Mowat-Wilson syndrome (MOWS). Also called: Classic Mowat-Wilson Syndrome. Identifiers: Orphanet 2152, MedGen C1856113, MONDO:0009341, OMIM 235730.

Allele frequency attached by ClinVar (database versions not stated): gnomAD exomes below 0.00001; gnomAD 0.00001.
gnomAD v4.1: 5 of 1,614,128 alleles (0.00031%); highest among the groups gnomAD compares: African/African-American, 0.0013%; no homozygotes.

Submissions (3):

Labcorp Genetics (formerly Invitae), Labcorp
Classification: Uncertain significance for Mowat-Wilson syndrome. Last evaluated: 2025-07-23. Review status: criteria provided, single submitter. Criteria: Invitae Variant Classification Sherloc (09022015). Collection method: clinical testing. Allele origin: germline.
Comment: This sequence change replaces aspartic acid, which is acidic and polar, with asparagine, which is neutral and polar, at codon 157 of the ZEB2 protein (p.Asp157Asn). This variant is not present in population databases (gnomAD no frequency). This variant has not been reported in the literature in individuals affected with ZEB2-related conditions. ClinVar contains an entry for this variant (Variation ID: 838010). Invitae Evidence Modeling of protein sequence and biophysical properties (such as structural, functional, and spatial information, amino acid conservation, physicochemical variation, residue mobility, and thermodynamic stability) indicates that this missense variant is not expected to disrupt ZEB2 protein function with a negative predictive value of 80%. In summary, the available evidence is currently insufficient to determine the role of this variant in disease. Therefore, it has been classified as a Variant of Uncertain Significance.

Genome-Nilou Lab
Classification: Uncertain significance for Mowat-Wilson syndrome. Last evaluated: 2021-11-07. Review status: criteria provided, single submitter. Criteria: ACMG Guidelines, 2015. Collection method: clinical testing. Allele origin: germline. Affected: no.

Baylor Genetics
Classification: Uncertain significance for Mowat-Wilson syndrome. Last evaluated: 2018-08-14. Review status: criteria provided, single submitter. Criteria: ACMG Guidelines, 2015. Collection method: clinical testing. Allele origin: maternal. Affected: yes.
Comment: This variant was determined to be of uncertain significance according to ACMG Guidelines, 2015 [PMID:25741868].